The following is an entry in ClinVar:

ClinVar aggregate classification (germline): Pathogenic (1 of 4 stars; one submission).

Submission:

Labcorp Genetics (formerly Invitae), Labcorp
Classification: Pathogenic. Last evaluated: 2023-09-18. Review status: criteria provided, single submitter. Criteria: Invitae Variant Classification Sherloc (09022015). Collection method: clinical testing. Allele origin: germline.
Comment: This variant has not been reported in the literature in individuals affected with ALPL-related conditions. This variant is not present in population databases (gnomAD no frequency). This sequence change creates a premature translational stop signal (p.Ile395Metfs*7) in the ALPL gene. It is expected to result in an absent or disrupted protein product. Loss-of-function variants in ALPL are known to be pathogenic (PMID: 3174660, 10679946, 32973344, 33814268). For these reasons, this variant has been classified as Pathogenic.

Literature cited by the submitters: PubMed 3174660; PubMed 10679946; PubMed 32973344; PubMed 33814268.

NM_000478.6(ALPL):c.1185_1188del (p.Ile395fs)

Gene: ALPL (alkaline phosphatase, biomineralization associated; plus strand). Cytogenetic location: 1p36.12.
Variant type: Deletion.
Coding change: c.1185_1188del on transcript NM_000478.6 (MANE Select); coding-DNA positions 1185 to 1188, 4 bases deleted (CTTT; older notation c.1185_1188delCTTT).
Protein change: p.Ile395fs; shifts the reading frame from isoleucine 395.
Molecular consequence: frameshift variant.
Genome position (GRCh38, 1-based): chr1:21,575,920-21,575,923, CTTT deleted; deleting any 4 consecutive bases within chr1:21,575,919-21,575,923 gives the same sequence; the c. name uses the placement nearest the transcript's 3' end. VCF-style (leftmost placement, unchanged base first): chr1-21575918-ATCTT-A. GRCh37 (hg19) VCF-style: chr1-21902411-ATCTT-A.
Other names: c.1185_1188del, p.Ile395fs (NM_001369803.2, NM_001369804.2, NM_001369805.2); c.1020_1023del, p.Ile340fs (NM_001127501.4); c.954_957del, p.Ile318fs (NM_001177520.3); short protein forms I318fs, I340fs, I395fs.
Identifiers: ClinVar variation 2761501 (VCV002761501.3), dbSNP rs2545343006, ClinGen allele CA2697552239.